The following is an entry in ClinVar:

NM_002439.5(MSH3):c.1981del (p.Ser661fs)

Gene: MSH3 (mutS homolog 3; plus strand). Cytogenetic location: 5q14.1.
Variant type: Deletion.
Coding change: c.1981del on transcript NM_002439.5 (MANE Select); coding-DNA position 1981, one base deleted (T; older notation c.1981delT).
Protein change: p.Ser661fs; shifts the reading frame from serine 661.
Molecular consequence: frameshift variant.
Genome position (GRCh38, 1-based): chr5:80,768,017, T deleted; the last of 2 consecutive T bases (chr5:80,768,016-80,768,017); deleting either gives the same sequence. VCF-style (leftmost placement, unchanged base first): chr5-80768015-AT-A. GRCh37 (hg19) VCF-style: chr5-80063834-AT-A.
Other names: short protein forms S661fs.
Identifiers: ClinVar variation 4726139 (VCV004726139.1).
Genomic context (GRCh38, chr5:80,768,015, plus strand): 5'-TGATTGTCAAAACTTTATATCACCTAAAGTCAGAATTTCAAGCAATAATACCTGCTGTTA[AT>A]TCCCACATTCAGTCAGACTTGCTCCGGACCGTTATTTTAGAAATTCCTGAACTCCTCAGT-3'

ClinVar aggregate classification (germline): Pathogenic (1 of 4 stars; one submission).

Submission:

Labcorp Genetics (formerly Invitae), Labcorp
Classification: Pathogenic. Last evaluated: 2025-08-27. Review status: criteria provided, single submitter. Criteria: Invitae Variant Classification Sherloc (09022015). Collection method: clinical testing. Allele origin: germline.
Comment: This sequence change creates a premature translational stop signal (p.Ser661Profs*13) in the MSH3 gene. It is expected to result in an absent or disrupted protein product. Loss-of-function variants in MSH3 are known to be pathogenic (PMID: 27476653, 37402566). This variant is not present in population databases (gnomAD no frequency). This variant has not been reported in the literature in individuals affected with MSH3-related conditions. For these reasons, this variant has been classified as Pathogenic.

Literature cited by the submitters: PubMed 27476653; PubMed 37402566.